The following is an entry in ClinVar:

ClinVar aggregate classification (germline): Benign (1 of 4 stars; one submission).

Conditions:
Familial adenomatous polyposis 1 (FAP1). Also called: POLYPOSIS, ADENOMATOUS INTESTINAL; FAMILIAL ADENOMATOUS POLYPOSIS 1, ATTENUATED. Identifiers: MedGen C2713442, MONDO:0021056, OMIM 175100. Disease mechanism: loss of function.

Submission:

Myriad Genetics, Inc.
Classification: Benign for Familial adenomatous polyposis 1. Last evaluated: 2024-03-22. Review status: criteria provided, single submitter. Criteria: Myriad Autosomal Dominant, Autosomal Recessive and X-Linked Classification Criteria (2023). Collection method: clinical testing. Allele origin: unknown.
Comment: This variant is considered benign. This variant is a silent/synonymous amino acid change and it is not expected to impact splicing.

NM_000038.6(APC):c.3855T>C (p.Asp1285=)

Gene: APC (APC regulator of Wnt signaling pathway; plus strand). Cytogenetic location: 5q22.2.
Variant type: single nucleotide variant.
Coding change: c.3855T>C on transcript NM_000038.6 (MANE Select); coding-DNA position 3855, T replaced by C.
Protein change: p.Asp1285=; no amino-acid change (aspartic acid 1285 retained).
Molecular consequence: synonymous variant. On other transcripts: non-coding transcript variant (2).
Genome position (GRCh38, 1-based): chr5:112,839,449, T>C. VCF-style: chr5-112839449-T-C. GRCh37 (hg19) VCF-style: chr5-112175146-T-C.
Other names: c.3855T>C, p.Asp1285= (NM_001127510.3, NM_001354895.2, NM_001407450.1); c.3801T>C, p.Asp1267= (NM_001127511.3); c.3909T>C, p.Asp1303= (NM_001354896.2, NM_001407447.1, NM_001407448.1 and 1 more transcripts); c.3885T>C, p.Asp1295= (NM_001354897.2); c.3780T>C, p.Asp1260= (NM_001354898.2); c.3771T>C, p.Asp1257= (NM_001354899.2); c.3732T>C, p.Asp1244= (NM_001354900.2); c.3678T>C, p.Asp1226= (NM_001354901.2, NM_001407453.1); and 11 more.
Identifiers: ClinVar variation 3148784 (VCV003148784.1), dbSNP rs2149900558, ClinGen allele CA445963745.